The following is an entry in ClinVar:

NM_001281775.3(ZMYND8):c.1315G>T (p.Gly439Cys)

Gene: ZMYND8 (zinc finger MYND-type containing 8; minus strand). Cytogenetic location: 20q13.12.
Variant type: single nucleotide variant.
Coding change: c.1315G>T on transcript NM_001281775.3 (MANE Select); coding-DNA position 1315, G replaced by T.
Protein change: p.Gly439Cys; replaces glycine 439 with cysteine.
Molecular consequence: missense variant.
Genome position (GRCh38, 1-based): chr20:47,276,479, C>A on the plus strand (G>T on the coding strand, the complement: ZMYND8 is on the minus strand). VCF-style: chr20-47276479-C-A. GRCh37 (hg19) VCF-style: chr20-45905223-C-A.
Other names: c.1240G>T, p.Gly414Cys (NM_001281771.3, NM_001281777.3, NM_001281778.3 and 4 more transcripts); c.1255G>T, p.Gly419Cys (NM_001281772.3, NM_001281773.3, NM_001281774.3 and 1 more transcripts); c.1315G>T, p.Gly439Cys (NM_001281776.3, NM_001281783.3, NM_012408.6 and 1 more transcripts); c.511G>T, p.Gly171Cys (NM_001281779.3, NM_001281780.3); c.1336G>T, p.Gly446Cys (NM_001363714.1); short protein forms G171C, G414C, G419C, G439C, G446C.
Identifiers: ClinVar variation 3906799 (VCV003906799.2).

ClinVar aggregate classification (germline): Uncertain significance (1 of 4 stars; one submission).

Submission:

GeneDx
Classification: Uncertain significance. Last evaluated: 2026-07-02. Review status: criteria provided, single submitter. Criteria: GeneDx Variant Classification Process June 2021. Collection method: clinical testing. Allele origin: germline.
Comment: Not observed at significant frequency in large population cohorts (gnomAD); In silico analysis supports that this missense variant has a deleterious effect on protein structure/function; Has not been previously published as pathogenic or benign to our knowledge